The following is an entry in ClinVar:

ClinVar aggregate classification (germline): Uncertain significance (1 of 4 stars; one submission).

Allele frequency attached by ClinVar (database versions not stated): gnomAD exomes below 0.00001; gnomAD 0.00001; TOPMed 0.00001.
gnomAD v4.1: 8 of 1,613,982 alleles (0.0005%); highest among the groups gnomAD compares: Non-Finnish European, 0.00068%; no homozygotes.

Submission:

Labcorp Genetics (formerly Invitae), Labcorp
Classification: Uncertain significance. Last evaluated: 2023-02-27. Review status: criteria provided, single submitter. Criteria: Invitae Variant Classification Sherloc (09022015). Collection method: clinical testing. Allele origin: germline.
Comment: This variant is not present in population databases (gnomAD no frequency). In summary, the available evidence is currently insufficient to determine the role of this variant in disease. Therefore, it has been classified as a Variant of Uncertain Significance. Advanced modeling of protein sequence and biophysical properties (such as structural, functional, and spatial information, amino acid conservation, physicochemical variation, residue mobility, and thermodynamic stability) performed at Invitae indicates that this missense variant is not expected to disrupt MTTP protein function. ClinVar contains an entry for this variant (Variation ID: 1427765). This variant has not been reported in the literature in individuals affected with MTTP-related conditions. This sequence change replaces isoleucine, which is neutral and non-polar, with threonine, which is neutral and polar, at codon 790 of the MTTP protein (p.Ile790Thr).

NM_001386140.1(MTTP):c.2369T>C (p.Ile790Thr)

Gene: MTTP (microsomal triglyceride transfer protein; plus strand). Cytogenetic location: 4q23.
Variant type: single nucleotide variant.
Coding change: c.2369T>C on transcript NM_001386140.1 (MANE Select); coding-DNA position 2369, T replaced by C.
Protein change: p.Ile790Thr; replaces isoleucine 790 with threonine.
Molecular consequence: missense variant.
Genome position (GRCh38, 1-based): chr4:99,621,087, T>C. VCF-style: chr4-99621087-T-C. GRCh37 (hg19) VCF-style: chr4-100542244-T-C.
Other names: c.2369T>C, p.Ile790Thr (NM_000253.4); c.2120T>C, p.Ile707Thr (NM_001300785.2); short protein forms I707T, I790T.
Identifiers: ClinVar variation 1427765 (VCV001427765.8), dbSNP rs1315984591, ClinGen allele CA357519434.